The following is an entry in ClinVar:

ClinVar aggregate classification (germline): Uncertain significance (1 of 4 stars; one submission).

gnomAD v4.1: 2 of 1,520,162 alleles (0.00013%); highest among the groups gnomAD compares: African/African-American, 0.0014%; no homozygotes.

Submission:

Labcorp Genetics (formerly Invitae), Labcorp
Classification: Uncertain significance. Last evaluated: 2025-10-04. Review status: criteria provided, single submitter. Criteria: Invitae Variant Classification Sherloc (09022015). Collection method: clinical testing. Allele origin: germline.
Comment: This sequence change replaces proline, which is neutral and non-polar, with leucine, which is neutral and non-polar, at codon 45 of the PIEZO1 protein (p.Pro45Leu). This variant is not present in population databases (gnomAD no frequency). This variant has not been reported in the literature in individuals affected with PIEZO1-related conditions. Invitae Evidence Modeling of protein sequence and biophysical properties (such as structural, functional, and spatial information, amino acid conservation, physicochemical variation, residue mobility, and thermodynamic stability) indicates that this missense variant is not expected to disrupt PIEZO1 protein function with a negative predictive value of 80%. In summary, the available evidence is currently insufficient to determine the role of this variant in disease. Therefore, it has been classified as a Variant of Uncertain Significance.

NM_001142864.4(PIEZO1):c.134C>T (p.Pro45Leu)

Gene: PIEZO1 (piezo type mechanosensitive ion channel component 1 (Er blood group); minus strand). Cytogenetic location: 16q24.3.
Variant type: single nucleotide variant.
Coding change: c.134C>T on transcript NM_001142864.4 (MANE Select); coding-DNA position 134, C replaced by T.
Protein change: p.Pro45Leu; replaces proline 45 with leucine.
Molecular consequence: missense variant.
Genome position (GRCh38, 1-based): chr16:88,749,410, G>A on the plus strand (C>T on the coding strand, the complement: PIEZO1 is on the minus strand). VCF-style: chr16-88749410-G-A. GRCh37 (hg19) VCF-style: chr16-88815818-G-A.
Other names: short protein forms P45L.
Identifiers: ClinVar variation 4779677 (VCV004779677.1).
Genomic context (GRCh38, chr16:88,749,410, plus strand): 5'-CCCTGAGAGCGTGGGCAGGGTCCCCTGGCCTTACCTTGGAGGCCGCATCGGGTGGGGCCG[G>A]GGAACCAGGGCAGCAGCAGCAGGAAGAGCAGGTAGACCAGCGAGAGTCCGCTGAAGCGGA-3'
Protein context (NP_001136336.2, residues 35-55): LLFLLLLPWF[Pro45Leu]GPTRCGLQGH